The following is an entry in ClinVar:

ClinVar aggregate classification (germline): Uncertain significance. Review status: reviewed by expert panel (3 of 4 stars). 2 submissions from 2 submitters: Uncertain significance (1). 1 of the submissions does not count toward it. Last evaluated 2024-03-26.

Conditions:
Mitochondrial disease. Also called: Mitochondrial disorder; Mitochondrial disorders. Identifiers: Orphanet 68380, MedGen C0751651, MeSH D028361, MONDO:0044970.
PIGMENTARY RETINOPATHY AND SENSORINEURAL DEAFNESS. Identifiers: MedGen C4016611.

Submissions (2):

ClinGen Mitochondrial Disease Nuclear and Mitochondrial  Variant Curation Expert Panel, ClinGen
Classification: Uncertain significance for Mitochondrial disease. Last evaluated: 2024-03-26. Review status: reviewed by expert panel. Criteria: clingen mito disease acmg specifications v1-1. Collection method: curation. Allele origin: germline. Inheritance: Mitochondrial inheritance.
Comment: The variant was present at 87.2% heteroplasmy in muscle and 38.3% in blood. Their mother with myopathy, cataracts, and hearing loss had the variant present at 12.4% in blood. The variant was undetectable in three healthy maternal aunts and one healthy maternal uncle (PP1_moderate; PMID: 12682337). There are no reported de novo occurrences to our knowledge. There is one occurrence in population databases (GenBank dataset, 1/61,134, an individual in haplogroup L3f; absent in gnomAD v3.1.2 and Helix dataset), however the frequency is still low (PM2_supporting). Single fiber testing showed higher levels of the variant in COX-negative and ragged red fibers (91.4% ± 4.9, n=7) than in COX-positive fibers (58.4% ± 12.8, n=7), p<0.005 (PS3_supporting, PMID: 12682337). The computational predictor MitoTIP suggests this variant is pathogenic (70.3 percentile) and HmtVAR predicts it to be pathogenic score of 0.55 (PP3). In summary, this variant meets criteria to be classified as uncertain significance for primary mitochondrial disease inherited in a mitochondrial manner. This classification was approved by the NICHD/NINDS U24 ClinGen Mitochondrial Disease Variant Curation Expert Panel on March 26, 2024. Mitochondrial DNA-specific ACMG/AMP criteria applied (PMID: 32906214): PP1_moderate, PM2_supporting, PS3_supporting, PP3.

OMIM
Classification: Pathogenic for PIGMENTARY RETINOPATHY AND SENSORINEURAL DEAFNESS. Last evaluated: 2003-04-08. Review status: no assertion criteria provided. Collection method: literature only. Allele origin: germline. Not counted in ClinVar's aggregate classification.

Literature cited by the submitters: PubMed 12682337 (cited by ClinGen Mitochondrial Disease Nuclear and Mitochondrial  Variant Curation Expert Panel, ClinGen and OMIM).

NC_012920.1(MT-TH):m.12183G>A

Gene: MT-TH (mitochondrially encoded tRNA histidine; plus strand).
Variant type: single nucleotide variant.
Genome position: chrM-12183-G-A.
Other names: 12183G-A.
Identifiers: ClinVar variation 9609 (VCV000009609.3), dbSNP rs121434473, ClinGen allele CA120575.
Genomic context (GRCh38, chrMT:12,183, plus strand): 5'-CCGGGTTTTCCTCTTGTAAATATAGTTTAACCAAAACATCAGATTGTGAATCTGACAACA[G>A]AGGCTTACGACCCCTTATTTACCGAGAAAGCTCACAAGAACTGCTAACTCATGCCCCCAT-3'